The following is an entry in ClinVar:

NM_001379210.1(SLC25A26):c.431A>G (p.Tyr144Cys)

Gene: SLC25A26 (solute carrier family 25 member 26; plus strand). Cytogenetic location: 3p14.1.
Variant type: single nucleotide variant.
Coding change: c.431A>G on transcript NM_001379210.1 (MANE Select); coding-DNA position 431, A replaced by G.
Protein change: p.Tyr144Cys; replaces tyrosine 144 with cysteine.
Molecular consequence: missense variant. On other transcripts: non-coding transcript variant (15).
Genome position (GRCh38, 1-based): chr3:66,263,357, A>G. VCF-style: chr3-66263357-A-G. GRCh37 (hg19) VCF-style: chr3-66313781-A-G.
Other names: c.167A>G, p.Tyr56Cys (NM_001350993.1, NM_001400709.1, NM_001400711.1 and 2 more transcripts); c.431A>G, p.Tyr144Cys (NM_001400705.1, NM_001400707.1, NM_173471.4); short protein forms Y144C, Y56C.
Identifiers: ClinVar variation 1700559 (VCV001700559.9), dbSNP rs199592553, ClinGen allele CA2483706.

ClinVar aggregate classification (germline): Uncertain significance. Review status: criteria provided, multiple submitters, no conflicts (2 of 4 stars). 3 submissions from 3 submitters: Uncertain significance (3). Last evaluated 2026-07-21.

Conditions:
Inborn genetic diseases. Identifiers: MedGen C0950123, MeSH D030342.

Allele frequency attached by ClinVar (database versions not stated): ExAC 0.00020; gnomAD exomes 0.00058 and 0.00015; ESP Exome Variant Server 0.00062; gnomAD 0.00040 and 0.00043; TOPMed 0.00047.
gnomAD v4.1: 914 of 1,611,992 alleles (0.057%); highest among the groups gnomAD compares: Non-Finnish European, 0.071%; no homozygotes.

Submissions (3):

GeneDx
Classification: Uncertain significance. Last evaluated: 2026-07-21. Review status: criteria provided, single submitter. Criteria: GeneDx Variant Classification Process June 2021. Collection method: clinical testing. Allele origin: germline.
Comment: In silico analysis supports that this missense variant has a deleterious effect on protein structure/function; Has not been previously published as pathogenic or benign to our knowledge

Labcorp Genetics (formerly Invitae), Labcorp
Classification: Uncertain significance. Last evaluated: 2024-01-08. Review status: criteria provided, single submitter. Criteria: Invitae Variant Classification Sherloc (09022015). Collection method: clinical testing. Allele origin: germline.
Comment: This sequence change replaces tyrosine, which is neutral and polar, with cysteine, which is neutral and slightly polar, at codon 56 of the SLC25A26 protein (p.Tyr56Cys). This variant is present in population databases (rs199592553, gnomAD 0.04%). This variant has not been reported in the literature in individuals affected with SLC25A26-related conditions. ClinVar contains an entry for this variant (Variation ID: 1700559). An algorithm developed to predict the effect of missense changes on protein structure and function (PolyPhen-2) suggests that this variant is likely to be disruptive. In summary, the available evidence is currently insufficient to determine the role of this variant in disease. Therefore, it has been classified as a Variant of Uncertain Significance.

Ambry Genetics
Classification: Uncertain significance for Inborn genetic diseases. Last evaluated: 2021-05-21. Review status: criteria provided, single submitter. Criteria: Ambry Variant Classification Scheme 2023. Collection method: clinical testing. Allele origin: germline.